The following is an entry in ClinVar:

ClinVar aggregate classification (germline): Uncertain significance (1 of 4 stars; one submission).

Allele frequency attached by ClinVar (database versions not stated): TOPMed below 0.00001; gnomAD exomes 0.00001; gnomAD 0.00002; ExAC 0.00003; 1000 Genomes Project 0.00020; 1000 Genomes Project 30x 0.00031.
gnomAD v4.1: 23 of 1,613,968 alleles (0.0014%); highest among the groups gnomAD compares: Middle Eastern, 0.017%; no homozygotes.

Submission:

Labcorp Genetics (formerly Invitae), Labcorp
Classification: Uncertain significance. Last evaluated: 2025-11-17. Review status: criteria provided, single submitter. Criteria: Invitae Variant Classification Sherloc (09022015). Collection method: clinical testing. Allele origin: germline.
Comment: This sequence change replaces glutamic acid, which is acidic and polar, with lysine, which is basic and polar, at codon 207 of the SLC1A3 protein (p.Glu207Lys). This variant is present in population databases (rs541689509, gnomAD 0.004%). This variant has not been reported in the literature in individuals affected with SLC1A3-related conditions. ClinVar contains an entry for this variant (Variation ID: 1899697). An algorithm developed to predict the effect of missense changes on protein structure and function (PolyPhen-2) suggests that this variant is likely to be tolerated. In summary, the available evidence is currently insufficient to determine the role of this variant in disease. Therefore, it has been classified as a Variant of Uncertain Significance.

NM_004172.5(SLC1A3):c.619G>A (p.Glu207Lys)

Genes: SLC1A3 (solute carrier family 1 member 3; plus strand), SLC1A3-AS1 (SLC1A3 antisense RNA 1; minus strand). Cytogenetic location: 5p13.2.
Variant type: single nucleotide variant.
Coding change: c.619G>A on transcript NM_004172.5 (MANE Select); coding-DNA position 619, G replaced by A.
Protein change: p.Glu207Lys; replaces glutamic acid 207 with lysine.
Molecular consequence: missense variant. On other transcripts: intron variant (1).
Genome position (GRCh38, 1-based): chr5:36,676,943, G>A. VCF-style: chr5-36676943-G-A. GRCh37 (hg19) VCF-style: chr5-36677045-G-A.
Other names: c.619G>A, p.Glu207Lys (NM_001166695.3); c.481G>A, p.Glu161Lys (NM_001289939.2); c.525-2684G>A (NM_001289940.2); short protein forms E161K, E207K.
Identifiers: ClinVar variation 1899697 (VCV001899697.5), dbSNP rs541689509, ClinGen allele CA3235507.